The following is an entry in ClinVar:

ClinVar aggregate classification (germline): Pathogenic (1 of 4 stars; one submission).

Conditions:
Leber congenital amaurosis 9 (LCA9). Also called: LCA9 Leber Congenital Amaurosis; LCA 9; Amaurosis congenita of Leber, type 9. Identifiers: Orphanet 65, MedGen C1837873, MONDO:0012056, OMIM 608553.

Submission:

Labcorp Genetics (formerly Invitae), Labcorp
Classification: Pathogenic for Leber congenital amaurosis 9. Last evaluated: 2023-07-17. Review status: criteria provided, single submitter. Criteria: Invitae Variant Classification Sherloc (09022015). Collection method: clinical testing. Allele origin: germline.
Comment: This variant is a gross deletion of the genomic region encompassing exon(s) 4 of the NMNAT1 gene. While this deletion is not anticipated to lead to nonsense mediated decay, it is expected to disrupt the C-terminus of the protein. This variant has not been reported in the literature in individuals affected with NMNAT1-related conditions. This variant disrupts a region of the NMNAT1 protein in which other variant(s) (p.Trp169*) have been determined to be pathogenic (PMID: 22842229, 22842230, 22842231, 29178642). This suggests that this is a clinically significant region of the protein, and that variants that disrupt it are likely to be disease-causing. For these reasons, this variant has been classified as Pathogenic.

Literature cited by the submitters: PubMed 22842229; PubMed 22842230; PubMed 22842231; PubMed 29178642.

NC_000001.10:g.(?_10041069)_(10041248_?)del

Gene: NMNAT1 (nicotinamide nucleotide adenylyltransferase 1; plus strand). Cytogenetic location: 1p36.22.
Variant type: Deletion.
Identifiers: ClinVar variation 1451670 (VCV001451670.5).